The following is an entry in ClinVar:

NM_058216.3(RAD51C):c.801G>A (p.Gln267=)

Gene: RAD51C (RAD51 paralog C; plus strand). Cytogenetic location: 17q22.
Variant type: single nucleotide variant.
Coding change: c.801G>A on transcript NM_058216.3 (MANE Select); coding-DNA position 801, G replaced by A.
Protein change: p.Gln267=; no amino-acid change (glutamine 267 retained).
Molecular consequence: synonymous variant. On other transcripts: non-coding transcript variant (1).
Genome position (GRCh38, 1-based): chr17:58,709,954, G>A. VCF-style: chr17-58709954-G-A. GRCh37 (hg19) VCF-style: chr17-56787315-G-A.
Other names: c.801G>A (NM_058216.1).
Identifiers: ClinVar variation 1098910 (VCV001098910.12), dbSNP rs2048499866, ClinGen allele CA501075628.

ClinVar aggregate classification (germline): Likely benign. Review status: criteria provided, multiple submitters, no conflicts (2 of 4 stars). 4 submissions from 4 submitters: Likely benign (4). Last evaluated 2025-12-22.

Conditions:
Hereditary cancer-predisposing syndrome. Also called: Neoplastic Syndromes, Hereditary; Hereditary neoplastic syndrome; Hereditary Cancer Syndrome; Tumor predisposition. Identifiers: Orphanet 140162, MedGen C0027672, MeSH D009386, MONDO:0015356.
Breast-ovarian cancer, familial, susceptibility to, 3. Also called: RAD51C-Related Breast/Ovarian Cancer. Identifiers: Orphanet 145, MedGen C3150659, MONDO:0013253, OMIM 613399.
Fanconi anemia complementation group O. Also called: RAD51C-Related Fanconi Anemia. Identifiers: Orphanet 84, MedGen C3150653, MONDO:0013248, OMIM 613390.

Allele frequency attached by ClinVar (database versions not stated): gnomAD 0.00001; gnomAD exomes 0.00001.
gnomAD v4.1: 4 of 1,613,200 alleles (0.00025%); highest among the groups gnomAD compares: East Asian, 0.0089%; no homozygotes.

Submissions (4):

Labcorp Genetics (formerly Invitae), Labcorp
Classification: Likely benign for Fanconi anemia complementation group O. Last evaluated: 2025-12-22. Review status: criteria provided, single submitter. Criteria: Invitae Variant Classification Sherloc (09022015). Collection method: clinical testing. Allele origin: germline.

Hereditary Cancer Group, L’Institut d'Investigació Biomèdica de Bellvitge
Classification: Likely benign for Breast-ovarian cancer, familial, susceptibility to, 3. Last evaluated: 2021-05-03. Review status: criteria provided, single submitter. Criteria: ACMG Guidelines, 2015. Collection method: curation. Allele origin: germline.

Ambry Genetics
Classification: Likely benign for Hereditary cancer-predisposing syndrome. Last evaluated: 2020-05-28. Review status: criteria provided, single submitter. Criteria: Ambry Variant Classification Scheme 2023. Collection method: clinical testing. Allele origin: germline.

GeneDx
Classification: Likely benign. Last evaluated: 2019-04-25. Review status: criteria provided, single submitter. Criteria: GeneDx Variant Classification Process June 2021. Collection method: clinical testing. Allele origin: germline. Affected: yes.
Comment: See Variant Classification Assertion Criteria.

Literature cited by the submitters: PubMed 24139550 (cited by Hereditary Cancer Group, L’Institut d'Investigació Biomèdica de Bellvitge).